The following is an entry in ClinVar:

ClinVar aggregate classification (germline): Conflicting classifications of pathogenicity. Review status: criteria provided, conflicting classifications (1 of 4 stars). 5 submissions from 5 submitters: Uncertain significance (4); Likely benign (1). Last evaluated 2026-08-01.

Conditions:
Intellectual developmental disorder, autosomal dominant 39. Also called: Intellectual disability, autosomal dominant 39; Mental retardation, autosomal dominant 39. Identifiers: MedGen C4225296, MONDO:0014678, OMIM 616521.

Allele frequency attached by ClinVar (database versions not stated): gnomAD exomes 0.00001 and below 0.00001; TOPMed 0.00001; gnomAD 0.00001.
gnomAD v4.1: 16 of 1,613,956 alleles (0.00099%); highest among the groups gnomAD compares: Non-Finnish European, 0.0013%; no homozygotes.

Submissions (5):

CeGaT Center for Human Genetics Tuebingen
Classification: Likely benign. Last evaluated: 2026-08-01. Review status: criteria provided, single submitter. Criteria: CeGaT Center For Human Genetics Tuebingen Variant Classification Criteria Version 2. Collection method: clinical testing. Allele origin: germline. Affected: yes. Observed: 1 variant allele.
Comment: MYT1L: BP4, BS2

Dasa
Classification: Uncertain significance. Last evaluated: 2026-01-30. Review status: criteria provided, single submitter. Criteria: DASA Assertion Criteria. Collection method: clinical testing. Allele origin: germline.
Comment: NM_001303052.2(MYT1L):c.835A>G (p.Asn279Asp) is a missense variant that results in the substitution of asparagine with aspartic acid. This variant is rare in population databases. Computational prediction algorithms are consistent with a benign effect. The currently available literature and clinical evidence are not sufficient to establish a definitive association between this variant and the reported condition. Therefore, this variant is classified as a variant of uncertain significance.

Laboratorio de Genetica e Diagnostico Molecular, Hospital Israelita Albert Einstein
Classification: Uncertain significance for Intellectual developmental disorder, autosomal dominant 39. Last evaluated: 2024-03-15. Review status: criteria provided, single submitter. Criteria: ACMG Guidelines, 2015. Collection method: clinical testing. Allele origin: germline. Affected: yes.
Comment: ACMG classification criteria: PP2 supporting, BP4 supporting

Labcorp Genetics (formerly Invitae), Labcorp
Classification: Uncertain significance. Last evaluated: 2022-08-17. Review status: criteria provided, single submitter. Criteria: Invitae Variant Classification Sherloc (09022015). Collection method: clinical testing. Allele origin: germline.
Comment: Algorithms developed to predict the effect of missense changes on protein structure and function (SIFT, PolyPhen-2, Align-GVGD) all suggest that this variant is likely to be tolerated. This sequence change replaces asparagine, which is neutral and polar, with aspartic acid, which is acidic and polar, at codon 279 of the MYT1L protein (p.Asn279Asp). This variant is present in population databases (no rsID available, gnomAD 0.0009%). This variant has not been reported in the literature in individuals affected with MYT1L-related conditions. ClinVar contains an entry for this variant (Variation ID: 1374576). Algorithms developed to predict the effect of sequence changes on RNA splicing suggest that this variant may create or strengthen a splice site. In summary, the available evidence is currently insufficient to determine the role of this variant in disease. Therefore, it has been classified as a Variant of Uncertain Significance.

Fulgent Genetics
Classification: Uncertain significance for Intellectual developmental disorder, autosomal dominant 39. Last evaluated: 2022-04-04. Review status: criteria provided, single submitter. Criteria: ACMG Guidelines, 2015. Collection method: clinical testing. Allele origin: unknown.

NM_001303052.2(MYT1L):c.835A>G (p.Asn279Asp)

Gene: MYT1L (myelin transcription factor 1 like; minus strand). Cytogenetic location: 2p25.3.
Variant type: single nucleotide variant.
Coding change: c.835A>G on transcript NM_001303052.2 (MANE Select); coding-DNA position 835, A replaced by G.
Protein change: p.Asn279Asp; replaces asparagine 279 with aspartic acid.
Molecular consequence: missense variant.
Genome position (GRCh38, 1-based): chr2:1,922,934, T>C on the plus strand (A>G on the coding strand, the complement: MYT1L is on the minus strand). VCF-style: chr2-1922934-T-C. GRCh37 (hg19) VCF-style: chr2-1926706-T-C.
Other names: c.835A>G, p.Asn279Asp (NM_001329844.2, NM_001329845.1, NM_001329846.3 and 6 more transcripts); short protein forms N279D.
Identifiers: ClinVar variation 1374576 (VCV001374576.10), dbSNP rs1279364314, ClinGen allele CA345706177.